The following is an entry in ClinVar:

ClinVar aggregate classification (germline): Uncertain significance (1 of 4 stars; one submission).

Conditions:
Werner syndrome (WRN). Identifiers: Orphanet 902, MedGen C0043119, MONDO:0010196, OMIM 277700.

Submission:

Labcorp Genetics (formerly Invitae), Labcorp
Classification: Uncertain significance for Werner syndrome. Last evaluated: 2022-11-24. Review status: criteria provided, single submitter. Criteria: Invitae Variant Classification Sherloc (09022015). Collection method: clinical testing. Allele origin: germline.
Comment: In summary, the available evidence is currently insufficient to determine the role of this variant in disease. Therefore, it has been classified as a Variant of Uncertain Significance. Experimental studies and prediction algorithms are not available or were not evaluated, and the functional significance of this variant is currently unknown. This variant has not been reported in the literature in individuals affected with WRN-related conditions. This variant is not present in population databases (gnomAD no frequency). This sequence change creates a premature translational stop signal (p.Arg1372Lysfs*22) in the WRN gene. While this is not anticipated to result in nonsense mediated decay, it is expected to disrupt the last 61 amino acid(s) of the WRN protein.

NM_000553.6(WRN):c.4113_4114dup (p.Arg1372fs)

Gene: WRN (WRN RecQ like helicase; plus strand). Cytogenetic location: 8p12.
Variant type: Duplication.
Coding change: c.4113_4114dup on transcript NM_000553.6 (MANE Select); coding-DNA positions 4113 to 4114, 2 bases duplicated (AA; older notation c.4113_4114dupAA).
Protein change: p.Arg1372fs; shifts the reading frame from arginine 1372.
Molecular consequence: frameshift variant.
Genome position (GRCh38, 1-based): chr8:31,167,152-31,167,153, AA duplicated; duplicating any 2 consecutive bases within chr8:31,167,150-31,167,153 gives the same sequence; the c. name uses the placement nearest the transcript's 3' end. VCF-style (leftmost placement, unchanged base first): chr8-31167149-C-CAA. GRCh37 (hg19) VCF-style: chr8-31024665-C-CAA.
Other names: short protein forms R1372fs.
Identifiers: ClinVar variation 3022980 (VCV003022980.3), dbSNP rs772047427, ClinGen allele CA174886855.